The following is an entry in ClinVar:

ClinVar aggregate classification (germline): Pathogenic. Review status: criteria provided, multiple submitters, no conflicts (2 of 4 stars). 2 submissions from 2 submitters: Pathogenic (2). Last evaluated 2024-09-19.

Conditions:
COL2A1-related disorder. Also called: COL2A1-related condition; COL2A1-related disorders.

Submissions (2):

Blueprint Genetics
Classification: Pathogenic for COL2A1-related disorders. Last evaluated: 2024-09-19. Review status: criteria provided, single submitter. Criteria: ACMG Guidelines, 2015. Collection method: clinical testing. Allele origin: germline. Affected: yes. Observed: 3 variant alleles.

GeneDx
Classification: Pathogenic. Last evaluated: 2018-07-19. Review status: criteria provided, single submitter. Criteria: GeneDx Variant Classification (06012015). Collection method: clinical testing. Allele origin: germline. Affected: yes.
Comment: Although the c.3381_3382delAG pathogenic variant in the COL2A1 gene has not been reported to our knowledge, this variant causes a shift in reading frame starting at codon glycine 1128, changing it to a proline, and creating a premature stop codon at position 35 of the new reading frame, denoted p.Gly1128ProfsX35. This pathogenic variant is expected to result in either an abnormal, truncated protein product or loss of protein from this allele through nonsense-mediated mRNA decay. Other frameshift variants in the COL2A1 gene have been reported in Human Gene Mutation Database in association with Stickler syndrome and other COL2A1-related disorders (Stenson et al., 2014), indicating that loss of function is a mechanism of disease for this gene. Furthermore, the c.3381_3382delAG variant has not been observed in large population cohorts (Lek et al., 2016).

NM_001844.5(COL2A1):c.3381_3382del (p.Gly1128fs)

Gene: COL2A1 (collagen type II alpha 1 chain; minus strand). Cytogenetic location: 12q13.11.
Variant type: Microsatellite.
Coding change: c.3381_3382del on transcript NM_001844.5 (MANE Select); coding-DNA positions 3381 to 3382, 2 bases deleted (AG; older notation c.3381_3382delAG).
Protein change: p.Gly1128fs; shifts the reading frame from glycine 1128.
Molecular consequence: frameshift variant.
Genome position (GRCh38, 1-based): chr12:47,976,865-47,976,866, CT deleted on the plus strand (AG on the coding strand, the reverse complement: COL2A1 is on the minus strand); deleting any 2 consecutive bases within chr12:47,976,865-47,976,871 gives the same sequence; the c. name uses the placement nearest the transcript's 3' end. VCF-style (leftmost placement, unchanged base first): chr12-47976864-CCT-C. GRCh37 (hg19) VCF-style: chr12-48370647-CCT-C.
Other names: c.3174_3175del, p.Gly1059fs (NM_033150.3); short protein forms G1128fs, G1059fs.
Identifiers: ClinVar variation 817152 (VCV000817152.2), dbSNP rs1592199296, ClinGen allele CA915948408.